The following is an entry in ClinVar:

NM_007186.6(CEP250):c.4126A>T (p.Ile1376Phe)

Gene: CEP250 (centrosomal protein 250; plus strand). Cytogenetic location: 20q11.22.
Variant type: single nucleotide variant.
Coding change: c.4126A>T on transcript NM_007186.6 (MANE Select); coding-DNA position 4126, A replaced by T.
Protein change: p.Ile1376Phe; replaces isoleucine 1376 with phenylalanine.
Molecular consequence: missense variant.
Genome position (GRCh38, 1-based): chr20:35,502,495, A>T. VCF-style: chr20-35502495-A-T. GRCh37 (hg19) VCF-style: chr20-34090323-A-T.
Other names: c.2230A>T, p.Ile744Phe (NM_001318219.1); short protein forms I1376F, I744F.
Identifiers: ClinVar variation 4768948 (VCV004768948.1).

ClinVar aggregate classification (germline): Uncertain significance (1 of 4 stars; one submission).

gnomAD v4.1: 14 of 1,614,122 alleles (0.00087%); highest among the groups gnomAD compares: Admixed American, 0.023%; no homozygotes.

Submission:

Labcorp Genetics (formerly Invitae), Labcorp
Classification: Uncertain significance. Last evaluated: 2025-05-26. Review status: criteria provided, single submitter. Criteria: Invitae Variant Classification Sherloc (09022015). Collection method: clinical testing. Allele origin: germline.
Comment: This sequence change replaces isoleucine, which is neutral and non-polar, with phenylalanine, which is neutral and non-polar, at codon 1376 of the CEP250 protein (p.Ile1376Phe). This variant is present in population databases (no rsID available, gnomAD 0.006%). This variant has not been reported in the literature in individuals affected with CEP250-related conditions. An algorithm developed to predict the effect of missense changes on protein structure and function (PolyPhen-2) suggests that this variant is likely to be tolerated. In summary, the available evidence is currently insufficient to determine the role of this variant in disease. Therefore, it has been classified as a Variant of Uncertain Significance.